The following is an entry in ClinVar:

ClinVar aggregate classification (germline): Conflicting classifications of pathogenicity. Review status: criteria provided, conflicting classifications (1 of 4 stars). 3 submissions from 3 submitters: Uncertain significance (2); Likely benign (1). Last evaluated 2023-03-23.

Conditions:
Hereditary breast ovarian cancer syndrome. Also called: Hereditary breast and ovarian cancer syndrome (HBOC); Hereditary breast and ovarian cancer syndrome; Breast and ovarian cancer; BRCA1- and BRCA2-Associated Hereditary Breast and Ovarian Cancer; Hereditary breast and ovarian cancer; Hereditary breast and/or ovarian cancer syndrome. Identifiers: Orphanet 145, MedGen C0677776, MeSH D061325, MONDO:0003582. Disease mechanism: loss of function.
Hereditary cancer-predisposing syndrome. Also called: Neoplastic Syndromes, Hereditary; Hereditary Cancer Syndrome; Hereditary neoplastic syndrome; Tumor predisposition. Identifiers: Orphanet 140162, MedGen C0027672, MeSH D009386, MONDO:0015356.

Submissions (3):

University of Washington Department of Laboratory Medicine, University of Washington
Classification: Likely benign for Hereditary cancer-predisposing syndrome. Last evaluated: 2023-03-23. Review status: criteria provided, single submitter. Criteria: Dines et al. (Genet Med. 2020). Collection method: curation. Allele origin: germline.
Comment: Missense variant in a coldspot region where missense variants are very unlikely to be pathogenic (PMID:31911673).

BRCA1 coldspot (exon 11 using historical exon numbering). Reclassification based on statistical prior probability

Ambry Genetics
Classification: Uncertain significance for Hereditary cancer-predisposing syndrome. Last evaluated: 2022-06-22. Review status: criteria provided, single submitter. Criteria: Ambry Variant Classification Scheme 2023. Collection method: clinical testing. Allele origin: germline.
Comment: The p.G817S variant (also known as c.2449G>A), located in coding exon 9 of the BRCA1 gene, results from a G to A substitution at nucleotide position 2449. The glycine at codon 817 is replaced by serine, an amino acid with similar properties. This amino acid position is not well conserved in available vertebrate species. In addition, this alteration is predicted to be tolerated by in silico analysis. Since supporting evidence is limited at this time, the clinical significance of this alteration remains unclear.

Labcorp Genetics (formerly Invitae), Labcorp
Classification: Uncertain significance for Hereditary breast ovarian cancer syndrome. Last evaluated: 2021-01-07. Review status: criteria provided, single submitter. Criteria: Invitae Variant Classification Sherloc (09022015). Collection method: clinical testing. Allele origin: germline.
Comment: In summary, the available evidence is currently insufficient to determine the role of this variant in disease. Therefore, it has been classified as a Variant of Uncertain Significance. Advanced modeling of protein sequence and biophysical properties (such as structural, functional, and spatial information, amino acid conservation, physicochemical variation, residue mobility, and thermodynamic stability) performed at Invitae indicates that this missense variant is not expected to disrupt BRCA1 protein function. This variant has not been reported in the literature in individuals with BRCA1-related conditions. ClinVar contains an entry for this variant (Variation ID: 479245). This variant is not present in population databases (ExAC no frequency). This sequence change replaces glycine with serine at codon 817 of the BRCA1 protein (p.Gly817Ser). The glycine residue is moderately conserved and there is a small physicochemical difference between glycine and serine.

NM_007294.4(BRCA1):c.2449G>A (p.Gly817Ser)

Gene: BRCA1 (BRCA1 DNA repair associated; minus strand). Cytogenetic location: 17q21.31.
Variant type: single nucleotide variant.
Coding change: c.2449G>A on transcript NM_007294.4 (MANE Select); coding-DNA position 2449, G replaced by A.
Protein change: p.Gly817Ser; replaces glycine 817 with serine.
Molecular consequence: missense variant. On other transcripts: intron variant (137).
Genome position (GRCh38, 1-based): chr17:43,093,082, C>T on the plus strand (G>A on the coding strand, the complement: BRCA1 is on the minus strand). VCF-style: chr17-43093082-C-T. GRCh37 (hg19) VCF-style: chr17-41245099-C-T.
Other names: c.787+1662G>A (NM_001407976.1, NM_001407980.1, NM_001407993.1 and 17 more transcripts); c.652+1662G>A (NM_001408451.1); c.643+1662G>A (NM_001408464.1, NM_001408470.1, NM_001408468.1 and 3 more transcripts); c.646+1662G>A (NM_001408467.1, NM_001408459.1, NM_001408458.1 and 11 more transcripts); c.583+1662G>A (NM_001408475.1); c.709+1662G>A (NM_001408412.1, NM_001408409.1, NM_001408414.1 and 2 more transcripts); c.451+1662G>A (NM_001408509.1, NM_001408508.1); c.523+1662G>A (NM_001408498.1, NM_001408501.1, NM_001408500.1 and 3 more transcripts); and 41 more; short protein forms G817S, G770S, G689S, G729S, G746S, G750S, G769S, G776S.
Identifiers: ClinVar variation 479245 (VCV000479245.16), dbSNP rs1555589646, ClinGen allele CA10597112.